The following is an entry in ClinVar:

NM_001365999.1(SZT2):c.4113C>G (p.Ser1371Arg)

Gene: SZT2 (SZT2 subunit of KICSTOR complex; plus strand). Cytogenetic location: 1p34.2.
Variant type: single nucleotide variant.
Coding change: c.4113C>G on transcript NM_001365999.1 (MANE Select); coding-DNA position 4113, C replaced by G.
Protein change: p.Ser1371Arg; replaces serine 1371 with arginine.
Molecular consequence: missense variant.
Genome position (GRCh38, 1-based): chr1:43,428,433, C>G. VCF-style: chr1-43428433-C-G. GRCh37 (hg19) VCF-style: chr1-43894104-C-G.
Other names: c.3942C>G, p.Ser1314Arg (NM_015284.4); short protein forms S1314R, S1371R.
Identifiers: ClinVar variation 1215989 (VCV001215989.17), dbSNP rs1001442150, ClinGen allele CA21635093.
Genomic context (GRCh38, chr1:43,428,433, plus strand): 5'-GGGTTTGCCTCATGCACCCCCAAGTCCTGGTCCTCTCAGCCCTGGGCCCTTCAGCAGCAG[C>G]ATGGAGGAGGGTGCTGAACCTCGGGAACGAGCTATCCTAGCTTCTGAATCCAGGTTAGGA-3'
Protein context (NP_001352928.1, residues 1361-1381): GPLSPGPFSS[Ser1371Arg]MEEGAEPRER

ClinVar aggregate classification (germline): Uncertain significance. Review status: criteria provided, multiple submitters, no conflicts (2 of 4 stars). 5 submissions from 5 submitters: Uncertain significance (5). Last evaluated 2025-11-02.

Conditions:
Developmental and epileptic encephalopathy, 18 (DEE18). Also called: Early infantile epileptic encephalopathy 18. Identifiers: Orphanet 369894, MedGen C3809624, MONDO:0014201, OMIM 615476.
Inborn genetic diseases. Identifiers: MedGen C0950123, MeSH D030342.

Allele frequency attached by ClinVar (database versions not stated): gnomAD 0.00003; TOPMed 0.00002.
gnomAD v4.1: 7 of 1,614,054 alleles (0.00043%); highest among the groups gnomAD compares: African/African-American, 0.0027%; no homozygotes.

Submissions (5):

Labcorp Genetics (formerly Invitae), Labcorp
Classification: Uncertain significance. Last evaluated: 2025-11-02. Review status: criteria provided, single submitter. Criteria: Invitae Variant Classification Sherloc (09022015). Collection method: clinical testing. Allele origin: germline.
Comment: This sequence change replaces serine, which is neutral and polar, with arginine, which is basic and polar, at codon 1314 of the SZT2 protein (p.Ser1314Arg). This variant is present in population databases (no rsID available, gnomAD 0.002%). This variant has not been reported in the literature in individuals affected with SZT2-related conditions. ClinVar contains an entry for this variant (Variation ID: 1215989). Invitae Evidence Modeling of protein sequence and biophysical properties (such as structural, functional, and spatial information, amino acid conservation, physicochemical variation, residue mobility, and thermodynamic stability) indicates that this missense variant is not expected to disrupt SZT2 protein function with a negative predictive value of 80%. In summary, the available evidence is currently insufficient to determine the role of this variant in disease. Therefore, it has been classified as a Variant of Uncertain Significance.

GeneDx
Classification: Uncertain significance. Last evaluated: 2024-04-16. Review status: criteria provided, single submitter. Criteria: GeneDx Variant Classification Process June 2021. Collection method: clinical testing. Allele origin: germline. Affected: yes.
Comment: Not observed at significant frequency in large population cohorts (gnomAD); In silico analysis indicates that this missense variant does not alter protein structure/function; Has not been previously published as pathogenic or benign to our knowledge

Genome-Nilou Lab
Classification: Uncertain significance for Developmental and epileptic encephalopathy, 18. Last evaluated: 2023-04-11. Review status: criteria provided, single submitter. Criteria: ACMG Guidelines, 2015. Collection method: clinical testing. Allele origin: germline. Affected: no.

Ambry Genetics
Classification: Uncertain significance for Inborn genetic diseases. Last evaluated: 2021-05-05. Review status: criteria provided, single submitter. Criteria: Ambry Variant Classification Scheme 2023. Collection method: clinical testing. Allele origin: germline.

Genetic Services Laboratory, University of Chicago
Classification: Uncertain significance. Last evaluated: 2018-03-07. Review status: criteria provided, single submitter. Criteria: ACMG Guidelines, 2015. Collection method: clinical testing. Allele origin: germline. Affected: no.